The following is an entry in ClinVar:

ClinVar aggregate classification (germline): Uncertain significance (1 of 4 stars; one submission).

Conditions:
Pierson syndrome. Also called: MICROCORIA-CONGENITAL NEPHROTIC SYNDROME. Identifiers: Orphanet 2670, MedGen C1836876, MONDO:0012184, OMIM 609049.
LAMB2-related infantile-onset nephrotic syndrome. Also called: NEPHROTIC SYNDROME, TYPE 5, WITHOUT OCULAR ABNORMALITIES; NEPHROTIC SYNDROME, TYPE 5, WITH OCULAR ABNORMALITIES; Nephrotic Syndrome, type 5. Identifiers: Orphanet 306507, MedGen C3280113, MONDO:0013621, OMIM 614199.

Submission:

Labcorp Genetics (formerly Invitae), Labcorp
Classification: Uncertain significance for LAMB2-related infantile-onset nephrotic syndrome; Pierson syndrome. Last evaluated: 2024-08-14. Review status: criteria provided, single submitter. Criteria: Invitae Variant Classification Sherloc (09022015). Collection method: clinical testing. Allele origin: germline.
Comment: This sequence change replaces glutamic acid, which is acidic and polar, with aspartic acid, which is acidic and polar, at codon 208 of the LAMB2 protein (p.Glu208Asp). This variant is not present in population databases (gnomAD no frequency). This variant has not been reported in the literature in individuals affected with LAMB2-related conditions. ClinVar contains an entry for this variant (Variation ID: 1718322). An algorithm developed to predict the effect of missense changes on protein structure and function (PolyPhen-2) suggests that this variant is likely to be tolerated. In summary, the available evidence is currently insufficient to determine the role of this variant in disease. Therefore, it has been classified as a Variant of Uncertain Significance.

NM_002292.4(LAMB2):c.624G>T (p.Glu208Asp)

Gene: LAMB2 (laminin subunit beta 2; minus strand). Cytogenetic location: 3p21.31.
Variant type: single nucleotide variant.
Coding change: c.624G>T on transcript NM_002292.4 (MANE Select); coding-DNA position 624, G replaced by T.
Protein change: p.Glu208Asp; replaces glutamic acid 208 with aspartic acid.
Molecular consequence: missense variant.
Genome position (GRCh38, 1-based): chr3:49,131,559, C>A on the plus strand (G>T on the coding strand, the complement: LAMB2 is on the minus strand). VCF-style: chr3-49131559-C-A. GRCh37 (hg19) VCF-style: chr3-49168992-C-A.
Other names: short protein forms E208D.
Identifiers: ClinVar variation 1718322 (VCV001718322.6), dbSNP rs768371856, ClinGen allele CA352749906.